The following is an entry in ClinVar:

NM_001037.5(SCN1B):c.142G>C (p.Glu48Gln)

Gene: SCN1B (sodium voltage-gated channel beta subunit 1; plus strand). Cytogenetic location: 19q13.11.
Variant type: single nucleotide variant.
Coding change: c.142G>C on transcript NM_001037.5 (MANE Select); coding-DNA position 142, G replaced by C.
Protein change: p.Glu48Gln; replaces glutamic acid 48 with glutamine.
Molecular consequence: missense variant.
Genome position (GRCh38, 1-based): chr19:35,032,629, G>C. VCF-style: chr19-35032629-G-C. GRCh37 (hg19) VCF-style: chr19-35523533-G-C.
Other names: c.43G>C, p.Glu15Gln (NM_001321605.2); c.142G>C, p.Glu48Gln (NM_199037.5); short protein forms E48Q, E15Q.
Identifiers: ClinVar variation 3631238 (VCV003631238.2).

ClinVar aggregate classification (germline): Uncertain significance (1 of 4 stars; one submission).

Conditions:
Brugada syndrome 5 (BRGDA5). Identifiers: Orphanet 130, Orphanet 871, MedGen C2748541, MONDO:0013015, OMIM 612838.

Submission:

Labcorp Genetics (formerly Invitae), Labcorp
Classification: Uncertain significance for Brugada syndrome 5. Last evaluated: 2024-04-12. Review status: criteria provided, single submitter. Criteria: Invitae Variant Classification Sherloc (09022015). Collection method: clinical testing. Allele origin: germline.
Comment: This sequence change replaces glutamic acid, which is acidic and polar, with glutamine, which is neutral and polar, at codon 48 of the SCN1B protein (p.Glu48Gln). This variant is not present in population databases (gnomAD no frequency). This variant has not been reported in the literature in individuals affected with SCN1B-related conditions. An algorithm developed to predict the effect of missense changes on protein structure and function (PolyPhen-2) suggests that this variant is likely to be disruptive. In summary, the available evidence is currently insufficient to determine the role of this variant in disease. Therefore, it has been classified as a Variant of Uncertain Significance.